The following is an entry in ClinVar:

ClinVar aggregate classification (germline): Likely pathogenic (1 of 4 stars; one submission).

Conditions:
Senior-Loken syndrome 6 (SLSN6). Identifiers: Orphanet 3156, MedGen C1857779, MONDO:0012433, OMIM 610189.
Meckel syndrome, type 4 (MKS4). Also called: MECKEL-GRUBER SYNDROME, TYPE 4. Identifiers: Orphanet 564, MedGen C1970161, MONDO:0012626, OMIM 611134.
Joubert syndrome 5 (JBTS5). Identifiers: Orphanet 2318, MedGen C1857780, MONDO:0012432, OMIM 610188.
Bardet-Biedl syndrome 14 (BBS14). Identifiers: Orphanet 110, MedGen C2673874, MONDO:0014442, OMIM 615991.
Leber congenital amaurosis 10 (LCA10). Identifiers: Orphanet 65, MedGen C1857821, MONDO:0012723, OMIM 611755.

Submission:

Juno Genomics, Hangzhou Juno Genomics, Inc
Classification: Likely pathogenic for Bardet-Biedl syndrome 14; Joubert syndrome 5; Leber congenital amaurosis 10; Meckel syndrome, type 4; Senior-Loken syndrome 6. Review status: criteria provided, single submitter. Criteria: ACMG Guidelines, 2015. Collection method: clinical testing. Allele origin: germline.
Comment: Null variant in a gene where loss of function (LOF) is a known mechanism of disease.;Absent from controls (or at extremely low frequency if recessive) in Genome Aggregation Database.

NM_025114.4(CEP290):c.2591T>A (p.Leu864Ter)

Gene: CEP290 (centrosomal protein 290; minus strand). Cytogenetic location: 12q21.32.
Variant type: single nucleotide variant.
Coding change: c.2591T>A on transcript NM_025114.4 (MANE Select); coding-DNA position 2591, T replaced by A.
Protein change: p.Leu864Ter; replaces leucine 864 with a stop codon.
Molecular consequence: nonsense.
Genome position (GRCh38, 1-based): chr12:88,106,901, A>T on the plus strand (T>A on the coding strand, the complement: CEP290 is on the minus strand). VCF-style: chr12-88106901-A-T. GRCh37 (hg19) VCF-style: chr12-88500678-A-T.
Other names: short protein forms L864*.
Identifiers: ClinVar variation 5005197 (VCV005005197.2).